The following is an entry in ClinVar:

ClinVar aggregate classification (germline): Benign (1 of 4 stars; one submission).

Allele frequency attached by ClinVar (database versions not stated): gnomAD 0.41370 and 0.41851; 1000 Genomes Project 30x 0.41583; 1000 Genomes Project 0.41693; TOPMed 0.42514.
gnomAD v4.1: 176,397 of 424,516 alleles (42%); highest among the groups gnomAD compares: Admixed American, 51%; 38,073 homozygotes.

Submission:

GeneDx
Classification: Benign. Last evaluated: 2018-06-19. Review status: criteria provided, single submitter. Criteria: GeneDx Variant Classification (06012015). Collection method: clinical testing. Allele origin: germline. Affected: yes.
Comment: This variant is considered likely benign or benign based on one or more of the following criteria: it is a conservative change, it occurs at a poorly conserved position in the protein, it is predicted to be benign by multiple in silico algorithms, and/or has population frequency not consistent with disease.

NM_177924.5(ASAH1):c.303+240C>A

Gene: ASAH1 (N-acylsphingosine amidohydrolase 1; minus strand). Cytogenetic location: 8p22.
Variant type: single nucleotide variant.
Coding change: c.303+240C>A on transcript NM_177924.5 (MANE Select); 240 bases into the intron after coding-DNA position 303, C replaced by A.
Molecular consequence: intron variant.
Genome position (GRCh38, 1-based): chr8:18,069,552, G>T on the plus strand (C>A on the coding strand, the complement: ASAH1 is on the minus strand). VCF-style: chr8-18069552-G-T. GRCh37 (hg19) VCF-style: chr8-17927061-G-T.
Other names: c.351+240C>A (NM_004315.6); c.285+1748C>A (NM_001127505.3); c.108+240C>A (NM_001363743.2).
Identifiers: ClinVar variation 678046 (VCV000678046.1), dbSNP rs4921833, ClinGen allele CA12716446.